The following is an entry in ClinVar:

NM_001376.5(DYNC1H1):c.3571C>T (p.Arg1191Cys)

Gene: DYNC1H1 (dynein cytoplasmic 1 heavy chain 1; plus strand). Cytogenetic location: 14q32.31.
Variant type: single nucleotide variant.
Coding change: c.3571C>T on transcript NM_001376.5 (MANE Select); coding-DNA position 3571, C replaced by T.
Protein change: p.Arg1191Cys; replaces arginine 1191 with cysteine.
Molecular consequence: missense variant.
Genome position (GRCh38, 1-based): chr14:101,997,041, C>T. VCF-style: chr14-101997041-C-T. GRCh37 (hg19) VCF-style: chr14-102463378-C-T.
Other names: short protein forms R1191C.
Identifiers: ClinVar variation 238999 (VCV000238999.16), dbSNP rs774198261, ClinGen allele CA7352054.
Genomic context (GRCh38, chr14:101,997,041, plus strand): 5'-ATTTCTATCATTGTTATAGAAGAAAAAACTTGATTTATTTTTTAACTCTCAAAGCTCTAC[C>T]GCAATGGCCAGCGCTTACTGGAAAAGCAAAGGTTCCAGTTCCCACCTTCCTGGCTTTATA-3'
Protein context (NP_001367.2, residues 1181-1201): KQFEKQVELY[Arg1191Cys]NGQRLLEKQR

ClinVar aggregate classification (germline): Uncertain significance. Review status: criteria provided, multiple submitters, no conflicts (2 of 4 stars). 4 submissions from 4 submitters: Uncertain significance (4). Last evaluated 2025-12-24.

Conditions:
DYNC1H1-related disorder. Also called: DYNC1H1-related condition; DYNC1H1-related disorders. Identifiers: MedGen CN381529.
Inborn genetic diseases. Identifiers: MedGen C0950123, MeSH D030342.
Charcot-Marie-Tooth disease axonal type 2O. Also called: CHARCOT-MARIE-TOOTH NEUROPATHY, AXONAL, TYPE 2O; CHARCOT-MARIE-TOOTH DISEASE, AXONAL, AUTOSOMAL DOMINANT, TYPE 2O; Charcot-Marie-Tooth Neuropathy Type 2O; Charcot-Marie-Tooth disease, axonal, type 20. Identifiers: Orphanet 284232, MedGen C3280220, MONDO:0013644, OMIM 614228.

Allele frequency attached by ClinVar (database versions not stated): ExAC 0.00002; gnomAD exomes 0.00002; gnomAD 0.00003 and 0.00004; TOPMed 0.00004.
gnomAD v4.1: 64 of 1,613,766 alleles (0.004%); highest among the groups gnomAD compares: Non-Finnish European, 0.0049%; no homozygotes.

Submissions (4):

Labcorp Genetics (formerly Invitae), Labcorp
Classification: Uncertain significance for Charcot-Marie-Tooth disease axonal type 2O. Last evaluated: 2025-12-24. Review status: criteria provided, single submitter. Criteria: Invitae Variant Classification Sherloc (09022015). Collection method: clinical testing. Allele origin: germline.
Comment: This sequence change replaces arginine, which is basic and polar, with cysteine, which is neutral and slightly polar, at codon 1191 of the DYNC1H1 protein (p.Arg1191Cys). This variant is present in population databases (rs774198261, gnomAD 0.004%). This variant has not been reported in the literature in individuals affected with DYNC1H1-related conditions. ClinVar contains an entry for this variant (Variation ID: 238999). Invitae Evidence Modeling of protein sequence and biophysical properties (such as structural, functional, and spatial information, amino acid conservation, physicochemical variation, residue mobility, and thermodynamic stability) indicates that this missense variant is expected to disrupt DYNC1H1 protein function with a positive predictive value of 95%. In summary, the available evidence is currently insufficient to determine the role of this variant in disease. Therefore, it has been classified as a Variant of Uncertain Significance.

PreventionGenetics, part of Exact Sciences
Classification: Uncertain significance for DYNC1H1-related condition. Last evaluated: 2025-11-07. Review status: criteria provided, single submitter. Criteria: ACMG Guidelines, 2015. Collection method: clinical testing. Allele origin: germline.
Comment: The DYNC1H1 c.3571C>T variant is predicted to result in the amino acid substitution p.Arg1191Cys. To our knowledge, this variant has not been reported in the literature. This variant is reported in 0.0039% of alleles in individuals of European (Non-Finnish) descent in gnomAD. At this time, the clinical significance of this variant is uncertain due to the absence of conclusive functional and genetic evidence.

Ambry Genetics
Classification: Uncertain significance for Inborn genetic diseases. Last evaluated: 2025-03-08. Review status: criteria provided, single submitter. Criteria: Ambry Variant Classification Scheme 2023. Collection method: clinical testing. Allele origin: germline.

GeneDx
Classification: Uncertain significance. Last evaluated: 2024-12-19. Review status: criteria provided, single submitter. Criteria: GeneDx Variant Classification Process June 2021. Collection method: clinical testing. Allele origin: germline. Affected: yes.
Comment: Has not been previously published as pathogenic or benign to our knowledge; In silico analysis supports that this missense variant has a deleterious effect on protein structure/function; This variant is associated with the following publications: (PMID: 25512093, 25609763, 26100331)